The following is an entry in ClinVar:

ClinVar aggregate classification (germline): Uncertain significance. Review status: criteria provided, multiple submitters, no conflicts (2 of 4 stars). 3 submissions from 3 submitters: Uncertain significance (3). Last evaluated 2026-08-10.

Conditions:
Polycystic kidney disease 2 (PKD2). Also called: POLYCYSTIC KIDNEY DISEASE 2 WITH OR WITHOUT POLYCYSTIC LIVER DISEASE; POLYCYSTIC KIDNEY DISEASE, ADULT, TYPE II; Polycystic Kidney Disease 2, Autosomal Dominant. Identifiers: MedGen C2751306, MONDO:0013131, OMIM 613095.
PKD2-related disorder. Also called: PKD2-related condition.

Allele frequency attached by ClinVar (database versions not stated): gnomAD exomes below 0.00001; gnomAD 0.00001; TOPMed 0.00001.
gnomAD v4.1: 13 of 1,613,978 alleles (0.00081%); highest among the groups gnomAD compares: East Asian, 0.0022%; no homozygotes.

Submissions (3):

PreventionGenetics, part of Exact Sciences
Classification: Uncertain significance for PKD2-related condition. Last evaluated: 2026-08-10. Review status: criteria provided, single submitter. Criteria: ACMG Guidelines, 2015. Collection method: clinical testing. Allele origin: germline.
Comment: The PKD2 c.2743C>T variant is predicted to result in the amino acid substitution p.Arg915Cys. To our knowledge, this variant has not been reported in the literature. This variant is reported in 0.0029% of alleles in individuals of Latino descent in gnomAD. At this time, the clinical significance of this variant is uncertain due to the absence of conclusive functional and genetic evidence.

Fulgent Genetics
Classification: Uncertain significance for Polycystic kidney disease 2. Last evaluated: 2023-12-27. Review status: criteria provided, single submitter. Criteria: ACMG Guidelines, 2015. Collection method: clinical testing. Allele origin: germline.

Illumina Laboratory Services, Illumina
Classification: Uncertain significance for Polycystic kidney disease 2. Last evaluated: 2017-04-27. Review status: criteria provided, single submitter. Criteria: ICSL Variant Classification Criteria 13 December 2019. Collection method: clinical testing. Allele origin: germline.

NM_000297.4(PKD2):c.2743C>T (p.Arg915Cys)

Gene: PKD2 (polycystin 2, transient receptor potential cation channel; plus strand). Cytogenetic location: 4q22.1.
Variant type: single nucleotide variant.
Coding change: c.2743C>T on transcript NM_000297.4 (MANE Select); coding-DNA position 2743, C replaced by T.
Protein change: p.Arg915Cys; replaces arginine 915 with cysteine.
Molecular consequence: missense variant. On other transcripts: non-coding transcript variant (1).
Genome position (GRCh38, 1-based): chr4:88,075,530, C>T. VCF-style: chr4-88075530-C-T. GRCh37 (hg19) VCF-style: chr4-88996682-C-T.
Other names: short protein forms R915C.
Identifiers: ClinVar variation 907368 (VCV000907368.7), dbSNP rs1215199829, ClinGen allele CA357628478.